The following is an entry in ClinVar:

NM_006904.7(PRKDC):c.5911C>A (p.Pro1971Thr)

Gene: PRKDC (protein kinase, DNA-activated, catalytic subunit; minus strand). Cytogenetic location: 8q11.21.
Variant type: single nucleotide variant.
Coding change: c.5911C>A on transcript NM_006904.7 (MANE Select); coding-DNA position 5911, C replaced by A.
Protein change: p.Pro1971Thr; replaces proline 1971 with threonine.
Molecular consequence: missense variant.
Genome position (GRCh38, 1-based): chr8:47,862,381, G>T on the plus strand (C>A on the coding strand, the complement: PRKDC is on the minus strand). VCF-style: chr8-47862381-G-T. GRCh37 (hg19) VCF-style: chr8-48774942-G-T.
Other names: c.5911C>A, p.Pro1971Thr (NM_001081640.2); short protein forms P1971T.
Identifiers: ClinVar variation 1415556 (VCV001415556.6), dbSNP rs1348319468, ClinGen allele CA371162132.

ClinVar aggregate classification (germline): Uncertain significance (1 of 4 stars; one submission).

Conditions:
Severe combined immunodeficiency due to DNA-PKcs deficiency. Also called: Immunodeficiency 26 with or without neurologic abnormalities; IMMUNODEFICIENCY 26 WITH NEUROLOGIC ABNORMALITIES. Identifiers: Orphanet 317425, MedGen C4014833, MONDO:0014423, OMIM 615966.

Allele frequency attached by ClinVar (database versions not stated): gnomAD exomes below 0.00001.
gnomAD v4.1: 2 of 1,613,658 alleles (0.00012%); highest among the groups gnomAD compares: African/African-American, 0.0013%; no homozygotes.

Submission:

Labcorp Genetics (formerly Invitae), Labcorp
Classification: Uncertain significance for Severe combined immunodeficiency due to DNA-PKcs deficiency. Last evaluated: 2021-11-28. Review status: criteria provided, single submitter. Criteria: Invitae Variant Classification Sherloc (09022015). Collection method: clinical testing. Allele origin: germline.
Comment: This sequence change replaces proline, which is neutral and non-polar, with threonine, which is neutral and polar, at codon 1971 of the PRKDC protein (p.Pro1971Thr). This variant is not present in population databases (gnomAD no frequency). This variant has not been reported in the literature in individuals affected with PRKDC-related conditions. Experimental studies and prediction algorithms are not available or were not evaluated, and the functional significance of this variant is currently unknown. In summary, the available evidence is currently insufficient to determine the role of this variant in disease. Therefore, it has been classified as a Variant of Uncertain Significance.